The following is an entry in ClinVar:

NM_133510.4(RAD51B):c.316-5T>C

Gene: RAD51B (RAD51 paralog B; plus strand). Cytogenetic location: 14q24.1.
Variant type: single nucleotide variant.
Coding change: c.316-5T>C on transcript NM_133510.4 (MANE Select); 5 bases into the intron before coding-DNA position 316, T replaced by C.
Molecular consequence: intron variant.
Genome position (GRCh38, 1-based): chr14:67,864,998, T>C. VCF-style: chr14-67864998-T-C. GRCh37 (hg19) VCF-style: chr14-68331715-T-C.
Other names: c.316-5T>C (NM_001321818.2, NM_001321809.2, NM_001321821.2 and 6 more transcripts); c.-42-5T>C (NM_001321817.2); c.202-5T>C (NM_001321815.1).
Identifiers: ClinVar variation 4149793 (VCV004149793.1).

ClinVar aggregate classification (germline): Uncertain significance (1 of 4 stars; one submission).

Submission:

Ambry Genetics
Classification: Uncertain significance. Last evaluated: 2025-06-17. Review status: criteria provided, single submitter. Criteria: Ambry Variant Classification Scheme 2023. Collection method: clinical testing. Allele origin: germline.
Comment: The c.316-5T>C intronic variant results from a T to C substitution 5 nucleotides upstream from coding exon 4 in the RAD51B gene. This nucleotide position is well conserved in available vertebrate species. In silico splice site analysis for this alteration is inconclusive. The evidence for this gene-disease relationship is limited; therefore, the clinical significance of this alteration is unclear.